The following is an entry in ClinVar:

ClinVar aggregate classification (germline): Conflicting classifications of pathogenicity. Review status: criteria provided, conflicting classifications (1 of 4 stars). 3 submissions from 3 submitters: Uncertain significance (2); Likely benign (1). Last evaluated 2025-12-22.

Conditions:
Hereditary pheochromocytoma and paraganglioma. Also called: Hereditary pheochromocytoma-paraganglioma; Hereditary Paraganglioma-Pheochromocytoma Syndromes; Hereditary paragangliomas and pheochromocytomas. Identifiers: Orphanet 29072, MedGen C4274332, MONDO:0017366.
Pheochromocytoma. Also called: MAX-Related Hereditary Paraganglioma-Pheochromocytoma Syndrome. Identifiers: Orphanet 29072, MedGen C0031511, MONDO:0008233, OMIM 171300, HP:0002666.
Gastrointestinal stromal tumor. Also called: Gastrointestinal stromal tumor, somatic; Gastrointestinal stroma tumor. Identifiers: Orphanet 44890, MedGen C0238198, MeSH D046152, MONDO:0011719, OMIM 606764, HP:0100723.
Pheochromocytoma/paraganglioma syndrome 4. Also called: SDHB-Related Hereditary Paraganglioma-Pheochromocytoma Syndrome; PARAGANGLIOMA, FAMILIAL MALIGNANT; PARAGANGLIOMAS, HEREDITARY EXTRAADRENAL; PHEOCHROMOCYTOMA, FAMILIAL EXTRAADRENAL; Paragangliomas 4; CAROTID BODY TUMORS AND MULTIPLE EXTRAADRENAL PHEOCHROMOCYTOMAS. Identifiers: Orphanet 29072, MedGen C1861848, MONDO:0007273, OMIM 115310.
Hereditary cancer-predisposing syndrome. Also called: Hereditary neoplastic syndrome; Neoplastic Syndromes, Hereditary; Hereditary Cancer Syndrome; Tumor predisposition. Identifiers: Orphanet 140162, MedGen C0027672, MeSH D009386, MONDO:0015356.

gnomAD v4.1: 1 of 1,612,304 alleles (0.000062%); highest among the groups gnomAD compares: African/African-American, 0.0013%; no homozygotes.

Submissions (4):

Ambry Genetics
Classification: Uncertain significance for Hereditary cancer-predisposing syndrome. Last evaluated: 2025-12-22. Review status: criteria provided, single submitter. Criteria: Ambry Variant Classification Scheme 2023. Collection method: clinical testing. Allele origin: germline.
Comment: The c.72G>A variant (also known as p.Q24Q), located in coding exon 1 of the SDHB gene, results from a G to A substitution at nucleotide position 72. This nucleotide substitution does not change the amino acid at codon 24. This nucleotide position is highly conserved in available vertebrate species. In silico splice site analysis predicts that this alteration will not have any significant effect on splicing. Based on the available evidence, the clinical significance of this variant remains unclear.

Labcorp Genetics (formerly Invitae), Labcorp
Classification: Uncertain significance for Gastrointestinal stromal tumor; Pheochromocytoma/paraganglioma syndrome 4; Pheochromocytoma. Last evaluated: 2024-09-09. Review status: criteria provided, single submitter. Criteria: Invitae Variant Classification Sherloc (09022015). Collection method: clinical testing. Allele origin: germline.
Comment: This sequence change affects codon 24 of the SDHB mRNA. It is a 'silent' change, meaning that it does not change the encoded amino acid sequence of the SDHB protein. This variant also falls at the last nucleotide of exon 1, which is part of the consensus splice site for this exon. This variant is not present in population databases (gnomAD no frequency). This variant has not been reported in the literature in individuals affected with SDHB-related conditions. ClinVar contains an entry for this variant (Variation ID: 528740). Variants that disrupt the consensus splice site are a relatively common cause of aberrant splicing (PMID: 17576681, 9536098). Algorithms developed to predict the effect of sequence changes on RNA splicing suggest that this variant may disrupt the consensus splice site. In summary, the available evidence is currently insufficient to determine the role of this variant in disease. Therefore, it has been classified as a Variant of Uncertain Significance.

All of Us Research Program, National Institutes of Health
Classification: Likely benign for Hereditary pheochromocytoma and paraganglioma. Last evaluated: 2024-02-05. Review status: criteria provided, single submitter. Criteria: ACMG Guidelines, 2015. Collection method: clinical testing. Allele origin: germline. Inheritance: Autosomal dominant inheritance. Observed: 1 variant allele, 1 heterozygote.
Comment: This study involves interpretation of variants in research participants for the purpose of population health screening. Participant phenotype was not available at the time of variant classification. Additional details can be found in publication PMID: 35346344, PMCID: PMC8962531

Dr. Peter K. Rogan Lab, Western University
No classification provided (evidence only). Condition: Hepatocellular carcinoma. Review status: no classification provided. Collection method: in vitro. Allele origin: not applicable. Functional consequence: retained intron. Not counted in ClinVar's aggregate classification.

Literature cited by the submitters: PubMed 17576681 (cited by Labcorp Genetics (formerly Invitae), Labcorp); PubMed 9536098 (cited by Labcorp Genetics (formerly Invitae), Labcorp).

NM_003000.3(SDHB):c.72G>A (p.Gln24=)

Genes: SDHB (succinate dehydrogenase complex iron sulfur subunit B; minus strand), LOC129929542 (ATAC-STARR-seq lymphoblastoid active region 277; plus strand). Cytogenetic location: 1p36.13.
Variant type: single nucleotide variant.
Coding change: c.72G>A on transcript NM_003000.3 (MANE Select); coding-DNA position 72, G replaced by A.
Protein change: p.Gln24=; no amino-acid change (glutamine 24 retained).
Molecular consequence: synonymous variant.
Genome position (GRCh38, 1-based): chr1:17,053,948, C>T on the plus strand (G>A on the coding strand, the complement: SDHB is on the minus strand). VCF-style: chr1-17053948-C-T. GRCh37 (hg19) VCF-style: chr1-17380443-C-T.
Identifiers: ClinVar variation 528740 (VCV000528740.12), dbSNP rs1553179312, ClinGen allele CA416048651.